The following is an entry in ClinVar:

NM_001376.5(DYNC1H1):c.1545A>G (p.Ala515=)

Gene: DYNC1H1 (dynein cytoplasmic 1 heavy chain 1; plus strand). Cytogenetic location: 14q32.31.
Variant type: single nucleotide variant.
Coding change: c.1545A>G on transcript NM_001376.5 (MANE Select); coding-DNA position 1545, A replaced by G.
Protein change: p.Ala515=; no amino-acid change (alanine 515 retained).
Molecular consequence: synonymous variant.
Genome position (GRCh38, 1-based): chr14:101,985,770, A>G. VCF-style: chr14-101985770-A-G. GRCh37 (hg19) VCF-style: chr14-102452107-A-G.
Other names: c.1545A>G (NM_001376.4).
Identifiers: ClinVar variation 1116408 (VCV001116408.11), dbSNP rs145784659, ClinGen allele CA7351718.

ClinVar aggregate classification (germline): Likely benign. Review status: criteria provided, single submitter (1 of 4 stars). 2 submissions from 2 submitters: Likely benign (1). 1 of the submissions does not count toward it. Last evaluated 2025-03-31.

Conditions:
Charcot-Marie-Tooth disease axonal type 2O. Also called: CHARCOT-MARIE-TOOTH NEUROPATHY, AXONAL, TYPE 2O; CHARCOT-MARIE-TOOTH DISEASE, AXONAL, AUTOSOMAL DOMINANT, TYPE 2O; Charcot-Marie-Tooth disease, axonal, type 20; Charcot-Marie-Tooth Neuropathy Type 2O. Identifiers: Orphanet 284232, MedGen C3280220, MONDO:0013644, OMIM 614228.
DYNC1H1-related disorder. Also called: DYNC1H1-related condition; DYNC1H1-related disorders. Identifiers: MedGen CN381529.

Allele frequency attached by ClinVar (database versions not stated): ExAC 0.00002; gnomAD 0.00002 and 0.00003; gnomAD exomes 0.00002 and 0.00003; TOPMed 0.00002; 1000 Genomes Project 30x 0.00016; 1000 Genomes Project 0.00020.
gnomAD v4.1: 48 of 1,614,224 alleles (0.003%); highest among the groups gnomAD compares: Non-Finnish European, 0.0036%; no homozygotes.

Submissions (2):

Labcorp Genetics (formerly Invitae), Labcorp
Classification: Likely benign for Charcot-Marie-Tooth disease axonal type 2O. Last evaluated: 2025-03-31. Review status: criteria provided, single submitter. Criteria: Invitae Variant Classification Sherloc (09022015). Collection method: clinical testing. Allele origin: germline.

PreventionGenetics, part of Exact Sciences
Classification: Likely benign for DYNC1H1-related condition. Last evaluated: 2022-04-15. Review status: no assertion criteria provided. Collection method: clinical testing. Allele origin: germline. Not counted in ClinVar's aggregate classification.
Comment: This variant is classified as likely benign based on ACMG/AMP sequence variant interpretation guidelines (Richards et al. 2015 PMID: 25741868, with internal and published modifications).